The following is an entry in ClinVar:

ClinVar aggregate classification (germline): Uncertain significance (1 of 4 stars; one submission).

Allele frequency attached by ClinVar (database versions not stated): TOPMed below 0.00001; ExAC 0.00001; gnomAD exomes 0.00001.
gnomAD v4.1: 5 of 1,611,500 alleles (0.00031%); highest among the groups gnomAD compares: Non-Finnish European, 0.00042%; no homozygotes.

Submission:

Labcorp Genetics (formerly Invitae), Labcorp
Classification: Uncertain significance. Last evaluated: 2022-08-08. Review status: criteria provided, single submitter. Criteria: Invitae Variant Classification Sherloc (09022015). Collection method: clinical testing. Allele origin: germline.
Comment: In summary, the available evidence is currently insufficient to determine the role of this variant in disease. Therefore, it has been classified as a Variant of Uncertain Significance. Advanced modeling of protein sequence and biophysical properties (such as structural, functional, and spatial information, amino acid conservation, physicochemical variation, residue mobility, and thermodynamic stability) performed at Invitae indicates that this missense variant is not expected to disrupt LRP5 protein function. This variant has not been reported in the literature in individuals affected with LRP5-related conditions. This variant is not present in population databases (gnomAD no frequency). This sequence change replaces serine, which is neutral and polar, with proline, which is neutral and non-polar, at codon 1456 of the LRP5 protein (p.Ser1456Pro).

NM_002335.4(LRP5):c.4366T>C (p.Ser1456Pro)

Gene: LRP5 (LDL receptor related protein 5; plus strand). Cytogenetic location: 11q13.2.
Variant type: single nucleotide variant.
Coding change: c.4366T>C on transcript NM_002335.4 (MANE Select); coding-DNA position 4366, T replaced by C.
Protein change: p.Ser1456Pro; replaces serine 1456 with proline.
Molecular consequence: missense variant.
Genome position (GRCh38, 1-based): chr11:68,439,794, T>C. VCF-style: chr11-68439794-T-C. GRCh37 (hg19) VCF-style: chr11-68207262-T-C.
Other names: c.2623T>C, p.Ser875Pro (NM_001291902.2); short protein forms S1456P, S875P.
Identifiers: ClinVar variation 1970276 (VCV001970276.5), dbSNP rs748395047, ClinGen allele CA6150341.